The following is an entry in ClinVar:

NM_032578.4(MYPN):c.597C>T (p.Phe199=)

Gene: MYPN (myopalladin; plus strand). Cytogenetic location: 10q21.3.
Variant type: single nucleotide variant.
Coding change: c.597C>T on transcript NM_032578.4 (MANE Select); coding-DNA position 597, C replaced by T.
Protein change: p.Phe199=; no amino-acid change (phenylalanine 199 retained).
Molecular consequence: synonymous variant. On other transcripts: 5 prime UTR variant (1), non-coding transcript variant (1).
Genome position (GRCh38, 1-based): chr10:68,122,035, C>T. VCF-style: chr10-68122035-C-T. GRCh37 (hg19) VCF-style: chr10-69881792-C-T.
Other names: p.Phe199=; c.597C>T, p.Phe199= (NM_001256267.2); c.-526C>T (NM_001256268.2).
Identifiers: ClinVar variation 544053 (VCV000544053.15), dbSNP rs778049757, ClinGen allele CA5522295.
Genomic context (GRCh38, chr10:68,122,035, plus strand): 5'-AAACCACAAGAGTAAACTGGAATCTCAAAACAAAGTTATGCAGGAAAACAGCTCCAGTTT[C>T]TCAGATCTGTCAGAAAGACGAGAAAGATCTTCTGTTCCCATCCCTATCCCTGCGGATACC-3'
Protein context (NP_115967.2, residues 189-209): NKVMQENSSS[Phe199=]SDLSERRERS

ClinVar aggregate classification (germline): Likely benign. Review status: criteria provided, multiple submitters, no conflicts (2 of 4 stars). 4 submissions from 4 submitters: Likely benign (4). Last evaluated 2025-12-15.

Conditions:
Cardiovascular phenotype. Identifiers: MedGen CN230736.
Dilated cardiomyopathy 1KK (CMD1KK). Identifiers: Orphanet 154, Orphanet 75249, MedGen C3714995, MONDO:0014100, OMIM 615248.
MYPN-related disorder. Also called: MYPN-related condition.

Allele frequency attached by ClinVar (database versions not stated): gnomAD exomes 0.00003 and 0.00006; gnomAD 0.00005 and 0.00006; ExAC 0.00007; TOPMed 0.00015.
gnomAD v4.1: 54 of 1,614,092 alleles (0.0033%); highest among the groups gnomAD compares: Middle Eastern, 0.2%; no homozygotes.

Submissions (4):

Labcorp Genetics (formerly Invitae), Labcorp
Classification: Likely benign for Dilated cardiomyopathy 1KK. Last evaluated: 2025-12-15. Review status: criteria provided, single submitter. Criteria: Invitae Variant Classification Sherloc (09022015). Collection method: clinical testing. Allele origin: germline.

Mayo Clinic Laboratories, Mayo Clinic
Classification: Likely benign. Last evaluated: 2025-10-22. Review status: criteria provided, single submitter. Criteria: ACMG Guidelines, 2015. Collection method: clinical testing. Allele origin: germline. Observed: 3 variant alleles.
Comment: BS1, BP4, BP7

PreventionGenetics, part of Exact Sciences
Classification: Likely benign for MYPN-related condition. Last evaluated: 2025-03-09. Review status: criteria provided, single submitter. Criteria: ACMG Guidelines, 2015. Collection method: clinical testing. Allele origin: germline.
Comment: This variant is classified as likely benign based on ACMG/AMP sequence variant interpretation guidelines (Richards et al. 2015 PMID: 25741868, with internal and published modifications).

Ambry Genetics
Classification: Likely benign for Cardiovascular phenotype. Last evaluated: 2019-10-23. Review status: criteria provided, single submitter. Criteria: Ambry Variant Classification Scheme 2023. Collection method: clinical testing. Allele origin: germline.